The following is an entry in ClinVar:

ClinVar aggregate classification (germline): Pathogenic (1 of 4 stars; one submission).

Conditions:
Neurofibromatosis, type 1 (NF1). Also called: Peripheral type neurofibromatosis; VON RECKLINGHAUSEN DISEASE; NEUROFIBROMATOSIS, TYPE I, SOMATIC; Neurofibromatosis, type I. Identifiers: Orphanet 636, MedGen C0027831, MONDO:0018975, OMIM 162200. Disease mechanism: loss of function.

Submission:

Labcorp Genetics (formerly Invitae), Labcorp
Classification: Pathogenic for Neurofibromatosis, type 1. Last evaluated: 2021-11-25. Review status: criteria provided, single submitter. Criteria: Invitae Variant Classification Sherloc (09022015). Collection method: clinical testing. Allele origin: germline.
Comment: This variant is a gross deletion of the genomic region encompassing exon(s) 15 of the NF1 gene. This deletion is out-of-frame, and is expected to create a premature termination codon and result in an absent or disrupted protein product. Loss-of-function variants in NF1 are known to be pathogenic (PMID: 10712197, 23913538). This variant has not been reported in the literature in individuals affected with NF1-related conditions. For these reasons, this variant has been classified as Pathogenic.

Literature cited by the submitters: PubMed 10712197; PubMed 23913538.

NC_000017.10:g.(?_29548858)_(29549489_?)del

Gene: NF1 (neurofibromin 1; plus strand). Cytogenetic location: 17q11.2.
Variant type: Deletion.
Identifiers: ClinVar variation 2422745 (VCV002422745.3).